The following is an entry in ClinVar:

ClinVar aggregate classification (germline): Likely benign (1 of 4 stars; one submission).

Allele frequency attached by ClinVar (database versions not stated): TOPMed 0.00012; gnomAD 0.00029; gnomAD exomes 0.00054; 1000 Genomes Project 30x 0.00125; ExAC 0.00131; 1000 Genomes Project 0.00160.
gnomAD v4.1: 841 of 1,601,276 alleles (0.053%); highest among the groups gnomAD compares: South Asian, 0.69%; 10 homozygotes.

Submission:

CeGaT Center for Human Genetics Tuebingen
Classification: Likely benign. Last evaluated: 2022-04-01. Review status: criteria provided, single submitter. Criteria: CeGaT Center For Human Genetics Tuebingen Variant Classification Criteria Version 2. Collection method: clinical testing. Allele origin: germline. Affected: yes. Observed: 1 variant allele.
Comment: RBPMS: BP4

NM_001008710.3(RBPMS):c.528+109A>C

Gene: RBPMS (RNA binding protein, mRNA processing factor; plus strand). Cytogenetic location: 8p12.
Variant type: single nucleotide variant.
Coding change: c.528+109A>C on transcript NM_001008710.3 (MANE Select); 109 bases into the intron after coding-DNA position 528, A replaced by C.
Molecular consequence: intron variant.
Genome position (GRCh38, 1-based): chr8:30,544,733, A>C. VCF-style: chr8-30544733-A-C. GRCh37 (hg19) VCF-style: chr8-30402250-A-C.
Other names: c.528+109A>C (NM_001008711.3, NM_006867.4, NM_001008712.3).
Identifiers: ClinVar variation 2658514 (VCV002658514.24), dbSNP rs374317677, ClinGen allele CA4700676.